The following is an entry in ClinVar:

ClinVar aggregate classification (germline): Likely pathogenic (1 of 4 stars; one submission).

Conditions:
Focal segmental glomerulosclerosis 7 (FSGS7). Identifiers: Orphanet 656, MedGen C4014925, MONDO:0014451, OMIM 616002.

Submission:

3billion
Classification: Likely pathogenic for Focal segmental glomerulosclerosis 7. Last evaluated: 2024-02-27. Review status: criteria provided, single submitter. Criteria: ACMG Guidelines, 2015. Collection method: clinical testing. Allele origin: germline. Affected: yes.
Comment: The variant is not observed in the gnomAD v2.1.1 dataset. Predicted Consequence/Location: The variant is located in a mutational hot spot and/or well-established functional domain in which established pathogenic variants have been reported (PMID: 22213154). In silico tool predictions suggest damaging effect of the variant on gene or gene product [REVEL: 0.83 (>=0.6, sensitivity 0.68 and specificity 0.92); 3Cnet: 0.93 (>=0.6, sensitivity 0.72 and precision 0.9)]. Different missense changes at the same codon (p.Gly85Ala, p.Gly85Val) have been reported to be associated with PAX2 related disorder (ClinVar ID: VCV001344673 /PMID: 29194579, 31001663). Therefore, this variant is classified as Likely pathogenic according to the recommendation of ACMG/AMP guideline.

Literature cited by the submitters: PubMed 29194579; PubMed 22213154.

NM_000278.5(PAX2):c.253G>T (p.Gly85Cys)

Gene: PAX2 (paired box 2; plus strand). Cytogenetic location: 10q24.31.
Variant type: single nucleotide variant.
Coding change: c.253G>T on transcript NM_000278.5 (MANE Select); coding-DNA position 253, G replaced by T.
Protein change: p.Gly85Cys; replaces glycine 85 with cysteine.
Molecular consequence: missense variant.
Genome position (GRCh38, 1-based): chr10:100,750,734, G>T. VCF-style: chr10-100750734-G-T. GRCh37 (hg19) VCF-style: chr10-102510491-G-T.
Other names: c.346G>T, p.Gly116Cys (NM_001304569.2); c.253G>T, p.Gly85Cys (NM_003987.5, NM_003988.5, NM_003989.5 and 1 more transcripts); short protein forms G116C, G85C.
Identifiers: ClinVar variation 3776236 (VCV003776236.1).